The following is an entry in ClinVar:

NM_016122.3(CEP83):c.1055A>G (p.Gln352Arg)

Gene: CEP83 (centrosomal protein 83; minus strand). Cytogenetic location: 12q22.
Variant type: single nucleotide variant.
Coding change: c.1055A>G on transcript NM_016122.3 (MANE Select); coding-DNA position 1055, A replaced by G.
Protein change: p.Gln352Arg; replaces glutamine 352 with arginine.
Molecular consequence: missense variant. On other transcripts: non-coding transcript variant (1).
Genome position (GRCh38, 1-based): chr12:94,368,195, T>C on the plus strand (A>G on the coding strand, the complement: CEP83 is on the minus strand). VCF-style: chr12-94368195-T-C. GRCh37 (hg19) VCF-style: chr12-94761971-T-C.
Other names: c.1055A>G, p.Gln352Arg (NM_001042399.2, NM_001346457.2, NM_001368037.1 and 1 more transcripts); c.743A>G, p.Gln248Arg (NM_001346458.2, NM_001346459.2, NM_001368039.1 and 1 more transcripts); c.830A>G, p.Gln277Arg (NM_001368041.1); short protein forms Q352R, Q248R, Q277R.
Identifiers: ClinVar variation 1518309 (VCV001518309.6), dbSNP rs2137016531, ClinGen allele CA386145955.

ClinVar aggregate classification (germline): Uncertain significance (1 of 4 stars; one submission).

Conditions:
Nephronophthisis 18 (NPHP18). Identifiers: Orphanet 655, MedGen C3890591, MONDO:0014374, OMIM 615862.

Allele frequency attached by ClinVar (database versions not stated): gnomAD exomes below 0.00001.
gnomAD v4.1: 1 of 1,609,958 alleles (0.000062%); highest among the groups gnomAD compares: Non-Finnish European, 0.000085%; no homozygotes.

Submission:

Labcorp Genetics (formerly Invitae), Labcorp
Classification: Uncertain significance for Nephronophthisis 18. Last evaluated: 2021-07-07. Review status: criteria provided, single submitter. Criteria: Invitae Variant Classification Sherloc (09022015). Collection method: clinical testing. Allele origin: germline.
Comment: This sequence change replaces glutamine with arginine at codon 352 of the CEP83 protein (p.Gln352Arg). The glutamine residue is highly conserved and there is a small physicochemical difference between glutamine and arginine. This variant is not present in population databases (ExAC no frequency). This variant has not been reported in the literature in individuals with CEP83-related conditions. Algorithms developed to predict the effect of missense changes on protein structure and function are either unavailable or do not agree on the potential impact of this missense change (SIFT: "Not Available"; PolyPhen-2: "Probably Damaging"; Align-GVGD: "Not Available"). In summary, the available evidence is currently insufficient to determine the role of this variant in disease. Therefore, it has been classified as a Variant of Uncertain Significance.